The following is an entry in ClinVar:

ClinVar aggregate classification (germline): Uncertain significance (1 of 4 stars; one submission).

Allele frequency attached by ClinVar (database versions not stated): gnomAD exomes below 0.00001.
gnomAD v4.1: 1 of 1,605,990 alleles (0.000062%); highest among the groups gnomAD compares: Non-Finnish European, 0.000085%; no homozygotes.

Submission:

Labcorp Genetics (formerly Invitae), Labcorp
Classification: Uncertain significance. Last evaluated: 2022-04-10. Review status: criteria provided, single submitter. Criteria: Invitae Variant Classification Sherloc (09022015). Collection method: clinical testing. Allele origin: germline.
Comment: This sequence change replaces serine, which is neutral and polar, with glycine, which is neutral and non-polar, at codon 1589 of the LRP5 protein (p.Ser1589Gly). This variant is not present in population databases (gnomAD no frequency). This variant has not been reported in the literature in individuals affected with LRP5-related conditions. Advanced modeling of protein sequence and biophysical properties (such as structural, functional, and spatial information, amino acid conservation, physicochemical variation, residue mobility, and thermodynamic stability) performed at Invitae indicates that this missense variant is expected to disrupt LRP5 protein function. In summary, the available evidence is currently insufficient to determine the role of this variant in disease. Therefore, it has been classified as a Variant of Uncertain Significance.

NM_002335.4(LRP5):c.4765A>G (p.Ser1589Gly)

Gene: LRP5 (LDL receptor related protein 5; plus strand). Cytogenetic location: 11q13.2.
Variant type: single nucleotide variant.
Coding change: c.4765A>G on transcript NM_002335.4 (MANE Select); coding-DNA position 4765, A replaced by G.
Protein change: p.Ser1589Gly; replaces serine 1589 with glycine.
Molecular consequence: missense variant.
Genome position (GRCh38, 1-based): chr11:68,448,987, A>G. VCF-style: chr11-68448987-A-G. GRCh37 (hg19) VCF-style: chr11-68216455-A-G.
Other names: c.3022A>G, p.Ser1008Gly (NM_001291902.2); short protein forms S1589G, S1008G.
Identifiers: ClinVar variation 2121067 (VCV002121067.4), dbSNP rs2496957377, ClinGen allele CA381618577.
Genomic context (GRCh38, chr11:68,448,987, plus strand): 5'-GACTCAGACCCCTATCCACCCCCACCCACGCCCCACAGCCAGTACCTGTCGGCGGAGGAC[A>G]GCTGCCCGCCCTCGCCCGCCACCGAGAGGAGCTACTTCCATCTCTTCCCGCCCCCTCCGT-3'
Protein context (NP_002326.2, residues 1579-1599): PHSQYLSAED[Ser1589Gly]CPPSPATERS